The following is an entry in ClinVar:

ClinVar aggregate classification (germline): Pathogenic (1 of 4 stars; one submission).

Conditions:
Congenital myasthenic syndrome 4A. Also called: Myasthenic syndrome, congenital, 4a, slow-channel; CONGENITAL MYASTHENIC SYNDROME TYPE Ia1; MYASTHENIC SYNDROME, CONGENITAL, 4A, SLOW-CHANNEL, AUTOSOMAL RECESSIVE. Identifiers: Orphanet 590, MedGen C4225413, MONDO:0011600, OMIM 605809.

Submission:

Labcorp Genetics (formerly Invitae), Labcorp
Classification: Pathogenic for Congenital myasthenic syndrome 4A. Last evaluated: 2023-07-19. Review status: criteria provided, single submitter. Criteria: Invitae Variant Classification Sherloc (09022015). Collection method: clinical testing. Allele origin: germline.
Comment: This variant is not present in population databases (gnomAD no frequency). This variant has not been reported in the literature in individuals affected with CHRNE-related conditions. For these reasons, this variant has been classified as Pathogenic. This sequence change creates a premature translational stop signal (p.Ser373Argfs*3) in the CHRNE gene. It is expected to result in an absent or disrupted protein product. Loss-of-function variants in CHRNE are known to be pathogenic (PMID: 22678886).

Literature cited by the submitters: PubMed 22678886.

NM_000080.4(CHRNE):c.1113_1174del (p.Ser373fs)

Genes: CHRNE (cholinergic receptor nicotinic epsilon subunit; minus strand), LOC130060040 (ATAC-STARR-seq lymphoblastoid silent region 8049; plus strand), LOC130060041 (ATAC-STARR-seq lymphoblastoid silent region 8050; plus strand). Cytogenetic location: 17p13.2.
Variant type: Deletion.
Coding change: c.1113_1174del on transcript NM_000080.4 (MANE Select); coding-DNA positions 1113 to 1174, 62 bases deleted.
Protein change: p.Ser373fs; shifts the reading frame from serine 373.
Molecular consequence: frameshift variant.
Genome position (GRCh38, 1-based): chr17:4,899,243-4,899,304, 62 bases deleted. GRCh37 (hg19): chr17:4,802,541-4,802,602.
Other names: short protein forms S373fs.
Identifiers: ClinVar variation 2880111 (VCV002880111.3), dbSNP rs2507541023, ClinGen allele CA2739267060.